The following is an entry in ClinVar:

NM_000543.5(SMPD1):c.1323T>C (p.Tyr441=)

Gene: SMPD1 (sphingomyelin phosphodiesterase 1; plus strand). Cytogenetic location: 11p15.4.
Variant type: single nucleotide variant.
Coding change: c.1323T>C on transcript NM_000543.5 (MANE Select); coding-DNA position 1323, T replaced by C.
Protein change: p.Tyr441=; no amino-acid change (tyrosine 441 retained).
Molecular consequence: synonymous variant. On other transcripts: non-coding transcript variant (2).
Genome position (GRCh38, 1-based): chr11:6,393,676, T>C. VCF-style: chr11-6393676-T-C. GRCh37 (hg19) VCF-style: chr11-6414906-T-C.
Other names: c.1320T>C, p.Tyr440= (NM_001007593.3); c.1323T>C, p.Tyr441= (NM_001318087.2); c.402T>C, p.Tyr134= (NM_001318088.2); c.1191T>C, p.Tyr397= (NM_001365135.2); c.1323T>C (NM_000543.4).
Identifiers: ClinVar variation 1654734 (VCV001654734.9), dbSNP rs2134019686, ClinGen allele CA472909918.

ClinVar aggregate classification (germline): Likely benign. Review status: criteria provided, multiple submitters, no conflicts (2 of 4 stars). 2 submissions from 2 submitters: Likely benign (2). Last evaluated 2024-10-27.

Conditions:
SMPD1-related disorder. Also called: SMPD1-related condition.
Niemann-Pick disease, type A. Also called: SPHINGOMYELIN LIPIDOSIS; SPHINGOMYELINASE DEFICIENCY; Infantile Neurovisceral ASMD (Niemann-Pick Disease Type A; NPD-A). Identifiers: Orphanet 77292, MedGen C0268242, MONDO:0009756, OMIM 257200. Disease mechanism: loss of function.
Niemann-Pick disease, type B. Also called: Chronic Visceral ASMD (Niemann-Pick Disease Type B; NPD-B). Identifiers: Orphanet 77293, MedGen C0268243, MONDO:0011871, OMIM 607616. Disease mechanism: loss of function.

Submissions (2):

PreventionGenetics, part of Exact Sciences
Classification: Likely benign for SMPD1-related condition. Last evaluated: 2024-10-27. Review status: criteria provided, single submitter. Criteria: ACMG Guidelines, 2015. Collection method: clinical testing. Allele origin: germline.
Comment: This variant is classified as likely benign based on ACMG/AMP sequence variant interpretation guidelines (Richards et al. 2015 PMID: 25741868, with internal and published modifications).

Labcorp Genetics (formerly Invitae), Labcorp
Classification: Likely benign for Niemann-Pick disease, type B; Niemann-Pick disease, type A. Last evaluated: 2020-11-22. Review status: criteria provided, single submitter. Criteria: Invitae Variant Classification Sherloc (09022015). Collection method: clinical testing. Allele origin: germline.